The following is an entry in ClinVar:

ClinVar aggregate classification (germline): Uncertain significance (1 of 4 stars; one submission).

gnomAD v4.1: 4 of 1,614,186 alleles (0.00025%); highest among the groups gnomAD compares: Non-Finnish European, 0.00025%; no homozygotes.

Submission:

GeneDx
Classification: Uncertain significance. Last evaluated: 2025-03-05. Review status: criteria provided, single submitter. Criteria: GeneDx Variant Classification Process June 2021. Collection method: clinical testing. Allele origin: germline. Affected: yes.
Comment: Not observed at significant frequency in large population cohorts (gnomAD); In silico analysis supports that this missense variant has a deleterious effect on protein structure/function; Has not been previously published as pathogenic or benign to our knowledge

NM_001376571.1(MADD):c.140C>T (p.Pro47Leu)

Gene: MADD (MAP kinase activating death domain; plus strand). Cytogenetic location: 11p11.2.
Variant type: single nucleotide variant.
Coding change: c.140C>T on transcript NM_001376571.1 (MANE Select); coding-DNA position 140, C replaced by T.
Protein change: p.Pro47Leu; replaces proline 47 with leucine.
Molecular consequence: missense variant. On other transcripts: 5 prime UTR variant (12), non-coding transcript variant (8), intron variant (1).
Genome position (GRCh38, 1-based): chr11:47,274,640, C>T. VCF-style: chr11-47274640-C-T. GRCh37 (hg19) VCF-style: chr11-47296191-C-T.
Other names: c.140C>T, p.Pro47Leu (NM_001376643.1, NM_001376645.1, NM_001376649.1 and 80 more transcripts); c.-65C>T (NM_001376644.1, NM_001376646.1, NM_001376647.1 and 9 more transcripts); c.-7-1259C>T (NM_001376663.1); short protein forms P47L.
Identifiers: ClinVar variation 4082731 (VCV004082731.1).